The following is an entry in ClinVar:

ClinVar aggregate classification (germline): Pathogenic (1 of 4 stars; one submission).

gnomAD v4.1: 1 of 1,614,156 alleles (0.000062%); highest among the groups gnomAD compares: Non-Finnish European, 0.000085%; no homozygotes.

Submission:

GeneDx
Classification: Pathogenic. Last evaluated: 2017-06-27. Review status: criteria provided, single submitter. Criteria: GeneDx Variant Classification (06012015). Collection method: clinical testing. Allele origin: germline. Affected: yes.
Comment: The Y398X nonsense variant has been reported previously in an individual with leukoencephalopathy who was compound heterozygous for another pathogenic variant in the EARS2 gene (Steenweg et al., 2012). This pathogenic variant is predicted to cause loss of normal protein function through protein truncation.

NM_001083614.2(EARS2):c.1194C>G (p.Tyr398Ter)

Gene: EARS2 (glutamyl-tRNA synthetase 2, mitochondrial; minus strand). Cytogenetic location: 16p12.2.
Variant type: single nucleotide variant.
Coding change: c.1194C>G on transcript NM_001083614.2 (MANE Select); coding-DNA position 1194, C replaced by G.
Protein change: p.Tyr398Ter; replaces tyrosine 398 with a stop codon.
Molecular consequence: nonsense. On other transcripts: non-coding transcript variant (1).
Genome position (GRCh38, 1-based): chr16:23,529,771, G>C on the plus strand (C>G on the coding strand, the complement: EARS2 is on the minus strand). VCF-style: chr16-23529771-G-C. GRCh37 (hg19) VCF-style: chr16-23541092-G-C.
Other names: c.1194C>G, p.Tyr398Ter (NM_001308211.1); short protein forms Y398*.
Identifiers: ClinVar variation 488831 (VCV000488831.2), dbSNP rs369291371, ClinGen allele CA395129820.